The following is an entry in ClinVar:

NM_018062.4(FANCL):c.388G>T (p.Asp130Tyr)

Gene: FANCL (FA complementation group L; minus strand). Cytogenetic location: 2p16.1.
Variant type: single nucleotide variant.
Coding change: c.388G>T on transcript NM_018062.4 (MANE Select); coding-DNA position 388, G replaced by T.
Protein change: p.Asp130Tyr; replaces aspartic acid 130 with tyrosine.
Molecular consequence: missense variant.
Genome position (GRCh38, 1-based): chr2:58,204,213, C>A on the plus strand (G>T on the coding strand, the complement: FANCL is on the minus strand). VCF-style: chr2-58204213-C-A. GRCh37 (hg19) VCF-style: chr2-58431348-C-A.
Other names: c.388G>T, p.Asp130Tyr (NM_001114636.2, NM_001374615.1, NM_001410792.1); short protein forms D130Y.
Identifiers: ClinVar variation 963774 (VCV000963774.10), dbSNP rs1690340999, ClinGen allele CA347034197.

ClinVar aggregate classification (germline): Uncertain significance (1 of 4 stars; one submission).

Conditions:
Fanconi anemia (FA). Also called: Fanconi's anemia. Identifiers: Orphanet 84, MedGen C0015625, MeSH D005199, MONDO:0019391.

Submission:

Labcorp Genetics (formerly Invitae), Labcorp
Classification: Uncertain significance for Fanconi anemia. Last evaluated: 2019-09-23. Review status: criteria provided, single submitter. Criteria: Invitae Variant Classification Sherloc (09022015). Collection method: clinical testing. Allele origin: germline.
Comment: This sequence change replaces aspartic acid with tyrosine at codon 130 of the FANCL protein (p.Asp130Tyr). The aspartic acid residue is highly conserved and there is a large physicochemical difference between aspartic acid and tyrosine. This variant is not present in population databases (ExAC no frequency). In summary, the available evidence is currently insufficient to determine the role of this variant in disease. Therefore, it has been classified as a Variant of Uncertain Significance. Algorithms developed to predict the effect of missense changes on protein structure and function are either unavailable or do not agree on the potential impact of this missense change (SIFT: "Deleterious"; PolyPhen-2: "Probably Damaging"; Align-GVGD: "Class C15"). This variant has not been reported in the literature in individuals with FANCL-related conditions.